The following is an entry in ClinVar:

NM_000038.6(APC):c.5667A>G (p.Glu1889=)

Gene: APC (APC regulator of Wnt signaling pathway; plus strand). Cytogenetic location: 5q22.2.
Variant type: single nucleotide variant.
Coding change: c.5667A>G on transcript NM_000038.6 (MANE Select); coding-DNA position 5667, A replaced by G.
Protein change: p.Glu1889=; no amino-acid change (glutamic acid 1889 retained).
Molecular consequence: synonymous variant.
Genome position (GRCh38, 1-based): chr5:112,841,261, A>G. VCF-style: chr5-112841261-A-G. GRCh37 (hg19) VCF-style: chr5-112176958-A-G.
Other names: c.5667A>G, p.Glu1889= (NM_001127510.3, NM_001354895.2); c.5613A>G, p.Glu1871= (NM_001127511.3); c.5721A>G, p.Glu1907= (NM_001354896.2); c.5697A>G, p.Glu1899= (NM_001354897.2); c.5592A>G, p.Glu1864= (NM_001354898.2); c.5583A>G, p.Glu1861= (NM_001354899.2); c.5544A>G, p.Glu1848= (NM_001354900.2); c.5490A>G, p.Glu1830= (NM_001354901.2); and 5 more.
Identifiers: ClinVar variation 1134589 (VCV001134589.14), dbSNP rs2149946016, ClinGen allele CA446208997.

ClinVar aggregate classification (germline): Benign/Likely benign. Review status: criteria provided, multiple submitters, no conflicts (2 of 4 stars). 5 submissions from 5 submitters: Benign (1); Likely benign (4). Last evaluated 2024-04-02.

Conditions:
Classic or attenuated familial adenomatous polyposis. Identifiers: MedGen CN372698, MONDO:0021057.
Familial adenomatous polyposis 1 (FAP1). Also called: FAMILIAL ADENOMATOUS POLYPOSIS 1, ATTENUATED; POLYPOSIS, ADENOMATOUS INTESTINAL. Identifiers: MedGen C2713442, MONDO:0021056, OMIM 175100. Disease mechanism: loss of function.
Hereditary cancer-predisposing syndrome. Also called: Neoplastic Syndromes, Hereditary; Hereditary Cancer Syndrome; Tumor predisposition; Hereditary neoplastic syndrome. Identifiers: Orphanet 140162, MedGen C0027672, MeSH D009386, MONDO:0015356.

Submissions (5):

Myriad Genetics, Inc.
Classification: Benign for Familial adenomatous polyposis 1. Last evaluated: 2024-04-02. Review status: criteria provided, single submitter. Criteria: Myriad Autosomal Dominant, Autosomal Recessive and X-Linked Classification Criteria (2023). Collection method: clinical testing. Allele origin: unknown.
Comment: This variant is considered benign. This variant is a silent/synonymous amino acid change and it is not expected to impact splicing.

All of Us Research Program, National Institutes of Health
Classification: Likely benign for Classic or attenuated familial adenomatous polyposis. Last evaluated: 2023-09-17. Review status: criteria provided, single submitter. Criteria: ACMG Guidelines, 2015. Collection method: clinical testing. Allele origin: germline. Inheritance: Autosomal dominant inheritance. Observed: 1 variant allele, 1 heterozygote.
Comment: This study involves interpretation of variants in research participants for the purpose of population health screening. Participant phenotype was not available at the time of variant classification. Additional details can be found in publication PMID: 35346344, PMCID: PMC8962531

Color Diagnostics, LLC DBA Color Health
Classification: Likely benign for Hereditary cancer-predisposing syndrome. Last evaluated: 2023-09-06. Review status: criteria provided, single submitter. Criteria: ACMG Guidelines, 2015. Collection method: clinical testing. Allele origin: germline.

Labcorp Genetics (formerly Invitae), Labcorp
Classification: Likely benign for Familial adenomatous polyposis 1. Last evaluated: 2023-02-02. Review status: criteria provided, single submitter. Criteria: Invitae Variant Classification Sherloc (09022015). Collection method: clinical testing. Allele origin: germline.

Ambry Genetics
Classification: Likely benign for Hereditary cancer-predisposing syndrome. Last evaluated: 2020-09-11. Review status: criteria provided, single submitter. Criteria: Ambry Variant Classification Scheme 2023. Collection method: clinical testing. Allele origin: germline.